The following is an entry in ClinVar:

ClinVar aggregate classification (germline): Likely benign (1 of 4 stars; one submission).

Submission:

CeGaT Center for Human Genetics Tuebingen
Classification: Likely benign. Last evaluated: 2025-10-01. Review status: criteria provided, single submitter. Criteria: CeGaT Center For Human Genetics Tuebingen Variant Classification Criteria Version 2. Collection method: clinical testing. Allele origin: germline. Affected: yes. Observed: 2 variant alleles.
Comment: ZFHX3: BS2

NM_006885.4(ZFHX3):c.10542CGG[3] (p.Gly3526_Gly3527del)

Genes: ZFHX3 (zinc finger homeobox 3; minus strand), ZFHX3-AS1 (ZFHX3 antisense RNA 1; plus strand). Cytogenetic location: 16q22.2.
Variant type: Microsatellite.
Coding change: c.10542CGG[3] on transcript NM_006885.4 (MANE Select); three copies in a row of the 3-base unit CGG starting at c.10542; the reference has five copies in a row; two copies, 6 bases deleted.
Protein change: p.Gly3526_Gly3527del.
Genome position (GRCh38, 1-based): chr16:72,787,720-72,787,725, CCGCCG deleted on the plus strand (CGGCGG on the coding strand, the reverse complement: ZFHX3 is on the minus strand); deleting any 6 consecutive bases within chr16:72,787,720-72,787,736 gives the same sequence; the position shown is the placement nearest the transcript's 3' end. VCF-style (leftmost placement, unchanged base first): chr16-72787719-ACCGCCG-A. GRCh37 (hg19) VCF-style: chr16-72821618-ACCGCCG-A.
Other names: c.7800CGG[3], p.Gly2612_Gly2613del (NM_001164766.2); c.10542CGG[3], p.Gly3526_Gly3527del (NM_001386735.1).
Identifiers: ClinVar variation 3770395 (VCV003770395.13).